The following is an entry in ClinVar:

ClinVar aggregate classification (germline): Pathogenic (1 of 4 stars; one submission).

Conditions:
Developmental and epileptic encephalopathy 94 (DEE94). Also called: Epileptic encephalopathy, childhood-onset; CHD2-Related Neurodevelopmental Disorders. Identifiers: Orphanet 1942, Orphanet 2382, MedGen C3809278, MONDO:0014150, OMIM 615369.

Submission:

Labcorp Genetics (formerly Invitae), Labcorp
Classification: Pathogenic for Developmental and epileptic encephalopathy 94. Last evaluated: 2019-08-25. Review status: criteria provided, single submitter. Criteria: Invitae Variant Classification Sherloc (09022015). Collection method: clinical testing. Allele origin: germline.
Comment: Loss-of-function variants in CHD2 are known to be pathogenic (PMID: 23708187, 24207121). For these reasons, this variant has been classified as Pathogenic. This variant has not been reported in the literature in individuals with CHD2-related conditions. This variant is an out-of-frame deletion of the genomic region encompassing exon 5 of the CHD2 gene. This is expected to create a premature translational stop signal and result in an absent or disrupted protein product.

Literature cited by the submitters: PubMed 23708187; PubMed 24207121.

NC_000015.10:g.(?_92929010)_(92929111_?)del

Gene: CHD2 (chromodomain helicase DNA binding protein 2; plus strand). Cytogenetic location: 15q26.1.
Variant type: Deletion.
Identifiers: ClinVar variation 832946 (VCV000832946.7).